The following is an entry in ClinVar:

ClinVar aggregate classification (germline): Uncertain significance. Review status: criteria provided, multiple submitters, no conflicts (2 of 4 stars). 3 submissions from 3 submitters: Uncertain significance (3). Last evaluated 2026-03-16.

Conditions:
COL4A1 or COL4A2-related cerebral small vessel disease. Identifiers: Orphanet 477759, MedGen C5680103, MONDO:0018788.

Allele frequency attached by ClinVar (database versions not stated): gnomAD exomes below 0.00001.
gnomAD v4.1: 2 of 1,613,152 alleles (0.00012%); highest among the groups gnomAD compares: Non-Finnish European, 0.00017%; no homozygotes.

Submissions (3):

GeneDx
Classification: Uncertain significance. Last evaluated: 2026-03-16. Review status: criteria provided, single submitter. Criteria: GeneDx Variant Classification Process June 2021. Collection method: clinical testing. Allele origin: germline.
Comment: Not observed at significant frequency in large population cohorts (gnomAD); In silico analysis supports that this missense variant has a deleterious effect on protein structure/function; Has not been previously published as pathogenic or benign to our knowledge

Labcorp Genetics (formerly Invitae), Labcorp
Classification: Uncertain significance. Last evaluated: 2025-08-03. Review status: criteria provided, single submitter. Criteria: Invitae Variant Classification Sherloc (09022015). Collection method: clinical testing. Allele origin: germline.
Comment: This sequence change replaces glycine, which is neutral and non-polar, with serine, which is neutral and polar, at codon 1593 of the COL4A1 protein (p.Gly1593Ser). This variant is not present in population databases (gnomAD no frequency). This variant has not been reported in the literature in individuals affected with COL4A1-related conditions. ClinVar contains an entry for this variant (Variation ID: 1805373). Invitae Evidence Modeling of protein sequence and biophysical properties (such as structural, functional, and spatial information, amino acid conservation, physicochemical variation, residue mobility, and thermodynamic stability) indicates that this missense variant is expected to disrupt COL4A1 protein function with a positive predictive value of 95%. In summary, the available evidence is currently insufficient to determine the role of this variant in disease. Therefore, it has been classified as a Variant of Uncertain Significance.

Victorian Clinical Genetics Services, Murdoch Childrens Research Institute
Classification: Uncertain significance for COL4A1 or COL4A2-related cerebral small vessel disease. Last evaluated: 2020-10-19. Review status: criteria provided, single submitter. Criteria: ACMG Guidelines, 2015. Collection method: clinical testing. Allele origin: germline. Inheritance: Autosomal dominant inheritance.
Comment: Based on the classification scheme VCGS_Germline_v1.3.3, this variant is classified as VUS - 3B. Following criteria are met: 0103 - Dominant negative and loss of function are known mechanisms of disease in this gene and are associated with COL4A1 -related disease (PMID: 27794444; 23065703) (I) 0107 - This gene is associated with autosomal dominant disease. (I) 0200 - Variant is predicted to result in a missense amino acid change from glycine to serine. (I) 0251 - This variant is heterozygous. (I) 0301 - Variant is absent from gnomAD (both v2 and v3). (SP) 0309 - An alternative amino acid change at the same position has been observed in gnomAD (v2) (1 heterozygote, 0 homozygotes) (I) 0501 - Missense variant consistently predicted to be damaging by multiple in silico tools and highly conserved with a minor amino acid change. (SP) 0600 - Variant is located in the annotated C4 C-terminal tandem repeated domain (NCBI). (I) 0705 - No comparable missense variants have previous evidence for pathogenicity. (I) 0807 - This variant has no previous evidence of pathogenicity. (I) 0905 - No published segregation evidence has been identified for this variant. (I) 1007 - No published functional evidence has been identified for this variant. (I) 1208 -Inheritance information for this variant is not currently available in this individual. (I) Legend: (SP) - Supporting pathogenic, (I) - Information, (SB) - Supporting benign

Literature cited by the submitters: PubMed 23065703 (cited by Victorian Clinical Genetics Services, Murdoch Childrens Research Institute); PubMed 27794444 (cited by Victorian Clinical Genetics Services, Murdoch Childrens Research Institute).

NM_001845.6(COL4A1):c.4777G>A (p.Gly1593Ser)

Gene: COL4A1 (collagen type IV alpha 1 chain; minus strand). Cytogenetic location: 13q34.
Variant type: single nucleotide variant.
Coding change: c.4777G>A on transcript NM_001845.6 (MANE Select); coding-DNA position 4777, G replaced by A.
Protein change: p.Gly1593Ser; replaces glycine 1593 with serine.
Molecular consequence: missense variant.
Genome position (GRCh38, 1-based): chr13:110,152,485, C>T on the plus strand (G>A on the coding strand, the complement: COL4A1 is on the minus strand). VCF-style: chr13-110152485-C-T. GRCh37 (hg19) VCF-style: chr13-110804832-C-T.
Other names: c.4777G>A (NM_001845.4); short protein forms G1593S.
Identifiers: ClinVar variation 1805373 (VCV001805373.3), dbSNP rs2501716680, ClinGen allele CA388654802.